The following is an entry in ClinVar:

ClinVar aggregate classification (germline): Uncertain significance. Review status: criteria provided, multiple submitters, no conflicts (2 of 4 stars). 2 submissions from 2 submitters: Uncertain significance (2). Last evaluated 2024-09-03.

Conditions:
Developmental and epileptic encephalopathy, 1 (DEE1). Also called: Epileptic encephalopathy, early infantile, 1; X-linked infantile spasms; West's syndrome; Tonic spasms with clustering, arrest of psychomotor development and hypsarrhythmia on EEG; X-Linked Infantile Spasm Syndrome; OHTAHARA SYNDROME, X-LINKED. Identifiers: MedGen C3463992, MONDO:0010632, OMIM 308350. Disease mechanism: loss of function.
Autosomal recessive spinocerebellar ataxia 12. Also called: SPINOCEREBELLAR ATAXIA WITH MENTAL RETARDATION AND EPILEPSY. Identifiers: Orphanet 284282, MedGen C3280452, MONDO:0013687, OMIM 614322.
Inborn genetic diseases. Identifiers: MedGen C0950123, MeSH D030342.

Submissions (2):

Ambry Genetics
Classification: Uncertain significance for Inborn genetic diseases. Last evaluated: 2024-09-03. Review status: criteria provided, single submitter. Criteria: Ambry Variant Classification Scheme 2023. Collection method: clinical testing. Allele origin: germline.

Labcorp Genetics (formerly Invitae), Labcorp
Classification: Uncertain significance for Developmental and epileptic encephalopathy, 1; Autosomal recessive spinocerebellar ataxia 12. Last evaluated: 2024-06-03. Review status: criteria provided, single submitter. Criteria: Invitae Variant Classification Sherloc (09022015). Collection method: clinical testing. Allele origin: germline.
Comment: This sequence change replaces alanine, which is neutral and non-polar, with serine, which is neutral and polar, at codon 253 of the WWOX protein (p.Ala253Ser). This variant is not present in population databases (gnomAD no frequency). This variant has not been reported in the literature in individuals affected with WWOX-related conditions. ClinVar contains an entry for this variant (Variation ID: 660331). Advanced modeling of protein sequence and biophysical properties (such as structural, functional, and spatial information, amino acid conservation, physicochemical variation, residue mobility, and thermodynamic stability) performed at Invitae indicates that this missense variant is not expected to disrupt WWOX protein function with a negative predictive value of 80%. In summary, the available evidence is currently insufficient to determine the role of this variant in disease. Therefore, it has been classified as a Variant of Uncertain Significance.

NM_016373.4(WWOX):c.757G>T (p.Ala253Ser)

Gene: WWOX (WW domain containing oxidoreductase; plus strand). Cytogenetic location: 16q23.1.
Variant type: single nucleotide variant.
Coding change: c.757G>T on transcript NM_016373.4 (MANE Select); coding-DNA position 757, G replaced by T.
Protein change: p.Ala253Ser; replaces alanine 253 with serine.
Molecular consequence: missense variant.
Genome position (GRCh38, 1-based): chr16:78,425,021, G>T. VCF-style: chr16-78425021-G-T. GRCh37 (hg19) VCF-style: chr16-78458918-G-T.
Other names: c.418G>T, p.Ala140Ser (NM_001291997.2); c.757G>T (NM_016373.2); short protein forms A253S, A140S.
Identifiers: ClinVar variation 660331 (VCV000660331.7), dbSNP rs896783193, ClinGen allele CA396842950.
Genomic context (GRCh38, chr16:78,425,021, plus strand): 5'-CATCTGGGGCACTTCTACCTTGTCCAGCTCCTCCAGGATGTTTTGTGCCGCTCAGCTCCT[G>T]CCCGTGTCATTGTGGTCTCCTCAGAGTCCCATCGGTGGGTTTGAATTGCATATTTGTTCA-3'
Protein context (NP_057457.1, residues 243-263): LQDVLCRSAP[Ala253Ser]RVIVVSSESH